The following is an entry in ClinVar:

NM_199420.4(POLQ):c.3545T>A (p.Val1182Asp)

Gene: POLQ (DNA polymerase theta; minus strand). Cytogenetic location: 3q13.33.
Variant type: single nucleotide variant.
Coding change: c.3545T>A on transcript NM_199420.4 (MANE Select); coding-DNA position 3545, T replaced by A.
Protein change: p.Val1182Asp; replaces valine 1182 with aspartic acid.
Molecular consequence: missense variant.
Genome position (GRCh38, 1-based): chr3:121,489,386, A>T on the plus strand (T>A on the coding strand, the complement: POLQ is on the minus strand). VCF-style: chr3-121489386-A-T. GRCh37 (hg19) VCF-style: chr3-121208233-A-T.
Other names: short protein forms V1182D.
Identifiers: ClinVar variation 3422592 (VCV003422592.1).

ClinVar aggregate classification (germline): Uncertain significance (1 of 4 stars; one submission).

Submission:

Ambry Genetics
Classification: Uncertain significance. Last evaluated: 2024-10-11. Review status: criteria provided, single submitter. Criteria: Ambry Variant Classification Scheme 2023. Collection method: clinical testing. Allele origin: germline.
Comment: The p.V1182D variant (also known as c.3545T>A), located in coding exon 16 of the POLQ gene, results from a T to A substitution at nucleotide position 3545. The valine at codon 1182 is replaced by aspartic acid, an amino acid with highly dissimilar properties. This amino acid position is conserved. In addition, this alteration is predicted to be tolerated by in silico analysis. Based on the available evidence, the clinical significance of this variant remains unclear.